The following is an entry in ClinVar:

ClinVar aggregate classification (germline): Uncertain significance. Review status: criteria provided, multiple submitters, no conflicts (2 of 4 stars). 2 submissions from 2 submitters: Uncertain significance (2). Last evaluated 2025-06-24.

Conditions:
LAMA2-related muscular dystrophy (LAMA2-RD). Also called: Laminin alpha 2-related dystrophy. Identifiers: MedGen C5679788, MONDO:0100228.

Allele frequency attached by ClinVar (database versions not stated): gnomAD exomes below 0.00001; TOPMed below 0.00001.
gnomAD v4.1: 2 of 1,614,208 alleles (0.00012%); highest among the groups gnomAD compares: Non-Finnish European, 0.000085%; no homozygotes.

Submissions (2):

Revvity Omics, Revvity
Classification: Uncertain significance. Last evaluated: 2025-06-24. Review status: criteria provided, single submitter. Criteria: ACMG Guidelines, 2015. Collection method: clinical testing. Allele origin: germline.

Labcorp Genetics (formerly Invitae), Labcorp
Classification: Uncertain significance for LAMA2-related muscular dystrophy. Last evaluated: 2022-06-20. Review status: criteria provided, single submitter. Criteria: Invitae Variant Classification Sherloc (09022015). Collection method: clinical testing. Allele origin: germline.
Comment: This sequence change replaces glutamic acid, which is acidic and polar, with glycine, which is neutral and non-polar, at codon 1239 of the LAMA2 protein (p.Glu1239Gly). This variant is not present in population databases (gnomAD no frequency). This variant has not been reported in the literature in individuals affected with LAMA2-related conditions. ClinVar contains an entry for this variant (Variation ID: 1061871). Advanced modeling of protein sequence and biophysical properties (such as structural, functional, and spatial information, amino acid conservation, physicochemical variation, residue mobility, and thermodynamic stability) performed at Invitae indicates that this missense variant is not expected to disrupt LAMA2 protein function. In summary, the available evidence is currently insufficient to determine the role of this variant in disease. Therefore, it has been classified as a Variant of Uncertain Significance.

NM_000426.4(LAMA2):c.3716A>G (p.Glu1239Gly)

Gene: LAMA2 (laminin subunit alpha 2; plus strand). Cytogenetic location: 6q22.33.
Variant type: single nucleotide variant.
Coding change: c.3716A>G on transcript NM_000426.4 (MANE Select); coding-DNA position 3716, A replaced by G.
Protein change: p.Glu1239Gly; replaces glutamic acid 1239 with glycine.
Molecular consequence: missense variant.
Genome position (GRCh38, 1-based): chr6:129,315,636, A>G. VCF-style: chr6-129315636-A-G. GRCh37 (hg19) VCF-style: chr6-129636781-A-G.
Other names: c.3716A>G (NM_000426.3); c.3716A>G, p.Glu1239Gly (NM_001079823.2); short protein forms E1239G.
Identifiers: ClinVar variation 1061871 (VCV001061871.7), dbSNP rs1774542275, ClinGen allele CA365613105.